The following is an entry in ClinVar:

NM_153252.5(BRWD3):c.4057CAA[1] (p.Gln1354del)

Gene: BRWD3 (bromodomain and WD repeat domain containing 3; minus strand). Cytogenetic location: Xq21.1.
Variant type: Microsatellite.
Coding change: c.4057CAA[1] on transcript NM_153252.5 (MANE Select); one copy of the 3-base unit CAA starting at c.4057; the reference has two copies in a row; one copy, 3 bases deleted.
Protein change: p.Gln1354del; deletes glutamine 1354.
Molecular consequence: inframe deletion.
Genome position (GRCh38, 1-based): chrX:80,685,480-80,685,482, TTG deleted on the plus strand (CAA on the coding strand, the reverse complement: BRWD3 is on the minus strand); deleting any 3 consecutive bases within chrX:80,685,480-80,685,486 gives the same sequence; the position shown is the placement nearest the transcript's 3' end. VCF-style (leftmost placement, unchanged base first): chrX-80685479-CTTG-C. GRCh37 (hg19) VCF-style: chrX-79940978-CTTG-C.
Other names: short protein forms Q1354del.
Identifiers: ClinVar variation 1697139 (VCV001697139.2), dbSNP rs2072508456, ClinGen allele CA2580612431.
Genomic context (GRCh38, chrX:80,685,479, plus strand): 5'-GTAAAAACAATCAATATGTCTTTTAAGAGACTACCAGGCCTACCTCAGAAAGAGATGAAT[CTTG>C]TTGTCTTTCTGGAACAACAGACTCTGAGGATTCTCCCTCTTGCTCCTGATGACCCTATTA-3'

ClinVar aggregate classification (germline): Uncertain significance (1 of 4 stars; one submission).

Submission:

GeneDx
Classification: Uncertain significance. Last evaluated: 2022-01-12. Review status: criteria provided, single submitter. Criteria: GeneDx Variant Classification Process June 2021. Collection method: clinical testing. Allele origin: germline. Affected: yes.
Comment: Not observed at significant frequency in large population cohorts (gnomAD); In-frame deletion of 1 amino acid in a non-repeat region; In silico analysis supports that this variant does not alter protein structure/function; Has not been previously published as pathogenic or benign to our knowledge